The following is an entry in ClinVar:

NM_001270974.2(HYDIN):c.14252C>T (p.Thr4751Ile)

Gene: HYDIN (HYDIN axonemal central pair apparatus protein; minus strand). Cytogenetic location: 16q22.2.
Variant type: single nucleotide variant.
Coding change: c.14252C>T on transcript NM_001270974.2 (MANE Select); coding-DNA position 14252, C replaced by T.
Protein change: p.Thr4751Ile; replaces threonine 4751 with isoleucine.
Molecular consequence: missense variant.
Genome position (GRCh38, 1-based): chr16:70,828,290, G>A on the plus strand (C>T on the coding strand, the complement: HYDIN is on the minus strand). VCF-style: chr16-70828290-G-A. GRCh37 (hg19) VCF-style: chr16-70862193-G-A.
Other names: short protein forms T4751I.
Identifiers: ClinVar variation 3388388 (VCV003388388.14).
Genomic context (GRCh38, chr16:70,828,290, plus strand): 5'-ATCTCCCCACCCAGCCCCCTAGCCCCACCCCCTTACCTCTGGGGCTTGTTCAGCCAGTTG[G>A]TGATTGGCAGAAGCTCAGTGTAGGGGGTCTTACATGGCACTTCACGATAGATATTGGCTA-3'
Protein context (NP_001257903.1, residues 4741-4761): KTPYTELLPI[Thr4751Ile]NWLNKPQRFR

ClinVar aggregate classification (germline): Likely benign (1 of 4 stars; one submission).

Submission:

CeGaT Center for Human Genetics Tuebingen
Classification: Likely benign. Last evaluated: 2025-03-01. Review status: criteria provided, single submitter. Criteria: CeGaT Center For Human Genetics Tuebingen Variant Classification Criteria Version 2. Collection method: clinical testing. Allele origin: germline. Affected: yes. Observed: 2 variant alleles.
Comment: HYDIN: PP2, BP4, BS1